The following is an entry in ClinVar:

ClinVar aggregate classification (germline): Uncertain significance (1 of 4 stars; one submission).

Conditions:
CHARGE syndrome (CHARGE). Also called: Hittner Hirsch Kreh syndrome; CHARGE ASSOCIATION--COLOBOMA, HEART ANOMALY, CHOANAL ATRESIA, RETARDATION, GENITAL AND EAR ANOMALIES; Coloboma, heart anomaly, choanal atresia, retardation, genital and ear anomalies; CHARGE association; Hall-Hittner syndrome. Identifiers: Orphanet 138, MedGen C0265354, MONDO:0008965.

Allele frequency attached by ClinVar (database versions not stated): gnomAD exomes below 0.00001.

Submission:

Labcorp Genetics (formerly Invitae), Labcorp
Classification: Uncertain significance for CHARGE syndrome. Last evaluated: 2022-09-08. Review status: criteria provided, single submitter. Criteria: Invitae Variant Classification Sherloc (09022015). Collection method: clinical testing. Allele origin: germline.
Comment: In summary, the available evidence is currently insufficient to determine the role of this variant in disease. Therefore, it has been classified as a Variant of Uncertain Significance. Advanced modeling of protein sequence and biophysical properties (such as structural, functional, and spatial information, amino acid conservation, physicochemical variation, residue mobility, and thermodynamic stability) performed at Invitae indicates that this missense variant is not expected to disrupt CHD7 protein function. This variant has not been reported in the literature in individuals affected with CHD7-related conditions. This variant is not present in population databases (gnomAD no frequency). This sequence change replaces glycine, which is neutral and non-polar, with arginine, which is basic and polar, at codon 283 of the CHD7 protein (p.Gly283Arg).

NM_017780.4(CHD7):c.847G>A (p.Gly283Arg)

Gene: CHD7 (chromodomain helicase DNA binding protein 7; plus strand). Cytogenetic location: 8q12.2.
Variant type: single nucleotide variant.
Coding change: c.847G>A on transcript NM_017780.4 (MANE Select); coding-DNA position 847, G replaced by A.
Protein change: p.Gly283Arg; replaces glycine 283 with arginine.
Molecular consequence: missense variant.
Genome position (GRCh38, 1-based): chr8:60,742,279, G>A. VCF-style: chr8-60742279-G-A. GRCh37 (hg19) VCF-style: chr8-61654838-G-A.
Other names: c.847G>A, p.Gly283Arg (NM_001316690.1); short protein forms G283R.
Identifiers: ClinVar variation 1922244 (VCV001922244.5), dbSNP rs2487271638, ClinGen allele CA371299724.